The following is an entry in ClinVar:

ClinVar aggregate classification (germline): Uncertain significance (1 of 4 stars; one submission).

Conditions:
Joubert syndrome. Also called: CEREBELLOPARENCHYMAL DISORDER IV; JOUBERT-BOLTSHAUSER SYNDROME; Familial aplasia of the vermis. Identifiers: Orphanet 475, MedGen C5979921, MONDO:0018772.
Meckel-Gruber syndrome. Also called: DYSENCEPHALIA SPLANCHNOCYSTICA; GRUBER SYNDROME; Dysencephalia splachnocystica. Identifiers: Orphanet 564, MedGen C0265215, MONDO:0018921.

Allele frequency attached by ClinVar (database versions not stated): gnomAD exomes below 0.00001.
gnomAD v4.1: 2 of 1,614,056 alleles (0.00012%); highest among the groups gnomAD compares: Admixed American, 0.0017%; no homozygotes.

Submission:

Labcorp Genetics (formerly Invitae), Labcorp
Classification: Uncertain significance for Joubert syndrome; Meckel-Gruber syndrome. Last evaluated: 2022-06-22. Review status: criteria provided, single submitter. Criteria: Invitae Variant Classification Sherloc (09022015). Collection method: clinical testing. Allele origin: germline.
Comment: This sequence change replaces glycine, which is neutral and non-polar, with arginine, which is basic and polar, at codon 75 of the TMEM67 protein (p.Gly75Arg). This variant also falls at the last nucleotide of exon 1, which is part of the consensus splice site for this exon. This variant is present in population databases (no rsID available, gnomAD no frequency). This variant has not been reported in the literature in individuals affected with TMEM67-related conditions. Algorithms developed to predict the effect of missense changes on protein structure and function are either unavailable or do not agree on the potential impact of this missense change (SIFT: "Tolerated"; PolyPhen-2: "Probably Damaging"; Align-GVGD: "Class C0"). Variants that disrupt the consensus splice site are a relatively common cause of aberrant splicing (PMID: 17576681, 9536098). Algorithms developed to predict the effect of sequence changes on RNA splicing suggest that this variant may create or strengthen a splice site. In summary, the available evidence is currently insufficient to determine the role of this variant in disease. Therefore, it has been classified as a Variant of Uncertain Significance.

Literature cited by the submitters: PubMed 17576681; PubMed 9536098.

NM_153704.6(TMEM67):c.223G>A (p.Gly75Arg)

Gene: TMEM67 (transmembrane protein 67; plus strand). Cytogenetic location: 8q22.1.
Variant type: single nucleotide variant.
Coding change: c.223G>A on transcript NM_153704.6 (MANE Select); coding-DNA position 223, G replaced by A.
Protein change: p.Gly75Arg; replaces glycine 75 with arginine.
Molecular consequence: missense variant. On other transcripts: 5 prime UTR variant (1), non-coding transcript variant (1).
Genome position (GRCh38, 1-based): chr8:93,755,137, G>A. VCF-style: chr8-93755137-G-A. GRCh37 (hg19) VCF-style: chr8-94767365-G-A.
Other names: c.-62G>A (NM_001142301.1); short protein forms G75R.
Identifiers: ClinVar variation 2156279 (VCV002156279.1), dbSNP rs1217412249, ClinGen allele CA371685507.